The following is an entry in ClinVar:

ClinVar aggregate classification (germline): Uncertain significance. Review status: criteria provided, multiple submitters, no conflicts (2 of 4 stars). 5 submissions from 5 submitters: Uncertain significance (5). Last evaluated 2026-03-06.

Conditions:
PGM1-congenital disorder of glycosylation. Also called: Congenital disorder of glycosylation type 1t; PHOSPHOGLUCOMUTASE 1 DEFICIENCY; PGM1 DEFICIENCY; GLYCOGEN STORAGE DISEASE XIV; GSD XIV; CDG It. Identifiers: Orphanet 319646, MedGen C2752015, MONDO:0013968, OMIM 614921.

Allele frequency attached by ClinVar (database versions not stated): gnomAD exomes 0.00003 and 0.00007; gnomAD 0.00005 and 0.00006; ExAC 0.00007; ESP Exome Variant Server 0.00008; TOPMed 0.00009.
gnomAD v4.1: 62 of 1,614,022 alleles (0.0038%); highest among the groups gnomAD compares: Admixed American, 0.0033%; no homozygotes.

Submissions (5):

Women's Health and Genetics/Laboratory Corporation of America, LabCorp
Classification: Uncertain significance. Last evaluated: 2026-03-06. Review status: criteria provided, single submitter. Criteria: LabCorp Variant Classification Summary - May 2015. Collection method: clinical testing. Allele origin: germline.
Comment: Variant summary: PGM1 c.1195C>G (p.Leu399Val) results in a conservative amino acid change in the encoded protein sequence. Algorithms developed to predict the effect of missense changes on protein structure and function are either unavailable or do not agree on the potential impact of this missense change. The variant allele was found at a frequency of 6.8e-05 in 251142 control chromosomes. This frequency is not significantly higher than estimated for disease-causing variants in PGM1, allowing no conclusion about variant significance. To our knowledge, no occurrence of c.1195C>G in individuals affected with PGM1-related conditions and no experimental evidence demonstrating its impact on protein function have been reported. ClinVar contains an entry for this variant (Variation ID: 297884). Based on the evidence outlined above, the variant was classified as uncertain significance.

Labcorp Genetics (formerly Invitae), Labcorp
Classification: Uncertain significance for PGM1-congenital disorder of glycosylation. Last evaluated: 2025-09-02. Review status: criteria provided, single submitter. Criteria: Invitae Variant Classification Sherloc (09022015). Collection method: clinical testing. Allele origin: germline.
Comment: This sequence change replaces leucine, which is neutral and non-polar, with valine, which is neutral and non-polar, at codon 399 of the PGM1 protein (p.Leu399Val). This variant is present in population databases (rs200065327, gnomAD 0.1%). This variant has not been reported in the literature in individuals affected with PGM1-related conditions. ClinVar contains an entry for this variant (Variation ID: 297884). Invitae Evidence Modeling of protein sequence and biophysical properties (such as structural, functional, and spatial information, amino acid conservation, physicochemical variation, residue mobility, and thermodynamic stability) has been performed for this missense variant. However, the output from this modeling did not meet the statistical confidence thresholds required to predict the impact of this variant on PGM1 protein function. In summary, the available evidence is currently insufficient to determine the role of this variant in disease. Therefore, it has been classified as a Variant of Uncertain Significance.

Department of Pathology and Laboratory Medicine, Sinai Health System
Classification: Uncertain significance for PGM1-congenital disorder of glycosylation. Last evaluated: 2023-04-02. Review status: criteria provided, single submitter. Criteria: ACMG Guidelines, 2015. Collection method: research. Allele origin: germline.

Blueprint Genetics
Classification: Uncertain significance. Last evaluated: 2022-10-19. Review status: criteria provided, single submitter. Criteria: ACMG Guidelines, 2015. Collection method: clinical testing. Allele origin: germline.

Illumina Laboratory Services, Illumina
Classification: Uncertain significance for PGM1-congenital disorder of glycosylation. Last evaluated: 2018-01-13. Review status: criteria provided, single submitter. Criteria: ICSL Variant Classification Criteria 13 December 2019. Collection method: clinical testing. Allele origin: germline.

NM_002633.3(PGM1):c.1195C>G (p.Leu399Val)

Gene: PGM1 (phosphoglucomutase 1; plus strand). Cytogenetic location: 1p31.3.
Variant type: single nucleotide variant.
Coding change: c.1195C>G on transcript NM_002633.3 (MANE Select); coding-DNA position 1195, C replaced by G.
Protein change: p.Leu399Val; replaces leucine 399 with valine.
Molecular consequence: missense variant.
Genome position (GRCh38, 1-based): chr1:63,648,567, C>G. VCF-style: chr1-63648567-C-G. GRCh37 (hg19) VCF-style: chr1-64114238-C-G.
Other names: c.1249C>G, p.Leu417Val (NM_001172818.1); c.604C>G, p.Leu202Val (NM_001172819.2); short protein forms L399V, L202V, L417V.
Identifiers: ClinVar variation 297884 (VCV000297884.14), dbSNP rs200065327, ClinGen allele CA889763.